The following is an entry in ClinVar:

NM_014694.4(ADAMTSL2):c.1752C>A (p.Val584=)

Gene: ADAMTSL2 (ADAMTS like 2; plus strand). Cytogenetic location: 9q34.2.
Variant type: single nucleotide variant.
Coding change: c.1752C>A on transcript NM_014694.4 (MANE Select); coding-DNA position 1752, C replaced by A.
Protein change: p.Val584=; no amino-acid change (valine 584 retained).
Molecular consequence: synonymous variant.
Genome position (GRCh38, 1-based): chr9:133,566,940, C>A. VCF-style: chr9-133566940-C-A. GRCh37 (hg19) VCF-style: chr9-136432062-C-A.
Other names: c.1752C>A, p.Val584= (NM_001145320.2).
Identifiers: ClinVar variation 4681761 (VCV004681761.5).

ClinVar aggregate classification (germline): Likely benign (1 of 4 stars; one submission).

Submission:

CeGaT Center for Human Genetics Tuebingen
Classification: Likely benign. Last evaluated: 2025-12-01. Review status: criteria provided, single submitter. Criteria: CeGaT Center For Human Genetics Tuebingen Variant Classification Criteria Version 2. Collection method: clinical testing. Allele origin: germline. Affected: yes. Observed: 2 variant alleles.
Comment: ADAMTSL2: PM2:Supporting, BP4, BP7